The following is an entry in ClinVar:

ClinVar aggregate classification (germline): Pathogenic (1 of 4 stars; one submission).

Submission:

GeneDx
Classification: Pathogenic. Last evaluated: 2023-07-20. Review status: criteria provided, single submitter. Criteria: GeneDx Variant Classification Process June 2021. Collection method: clinical testing. Allele origin: germline. Affected: yes.
Comment: Frameshift variant predicted to result in protein truncation or nonsense mediated decay in a gene for which loss of function is a known mechanism of disease; Not observed at significant frequency in large population cohorts (gnomAD); Has not been previously published as pathogenic or benign to our knowledge

NM_015001.3(SPEN):c.6307del (p.Arg2103fs)

Gene: SPEN (spen family transcriptional repressor; plus strand). Cytogenetic location: 1p36.13.
Variant type: Deletion.
Coding change: c.6307del on transcript NM_015001.3 (MANE Select); coding-DNA position 6307, one base deleted (A; older notation c.6307delA).
Protein change: p.Arg2103fs; shifts the reading frame from arginine 2103.
Molecular consequence: frameshift variant.
Genome position (GRCh38, 1-based): chr1:15,932,547, A deleted. VCF-style (leftmost placement, unchanged base first): chr1-15932546-CA-C. GRCh37 (hg19) VCF-style: chr1-16259041-CA-C.
Other names: short protein forms R2103fs.
Identifiers: ClinVar variation 2573924 (VCV002573924.1), dbSNP rs2523085373, ClinGen allele CA2580612921.